The following is an entry in ClinVar:

ClinVar aggregate classification (germline): Uncertain significance (1 of 4 stars; one submission).

Conditions:
POLD1-related polyposis and colorectal cancer syndrome (CRCS10). Also called: Colorectal cancer 10; COLORECTAL CANCER, SUSCEPTIBILITY TO, ON CHROMOSOME 19q; Colorectal cancer, susceptibility to, 10. Identifiers: Orphanet 220460, MedGen C2675481, MONDO:0012953, OMIM 612591.

Submission:

Labcorp Genetics (formerly Invitae), Labcorp
Classification: Uncertain significance for POLD1-related polyposis and colorectal cancer syndrome. Last evaluated: 2021-03-17. Review status: criteria provided, single submitter. Criteria: Invitae Variant Classification Sherloc (09022015). Collection method: clinical testing. Allele origin: germline.
Comment: In summary, the available evidence is currently insufficient to determine the role of this variant in disease. Therefore, it has been classified as a Variant of Uncertain Significance. Algorithms developed to predict the effect of missense changes on protein structure and function output the following: SIFT: "Tolerated"; PolyPhen-2: "Benign"; Align-GVGD: "Class C0". The serine amino acid residue is found in multiple mammalian species, suggesting that this missense change does not adversely affect protein function. These predictions have not been confirmed by published functional studies and their clinical significance is uncertain. This variant has not been reported in the literature in individuals with POLD1-related conditions. This variant is not present in population databases (ExAC no frequency). This sequence change replaces threonine with serine at codon 183 of the POLD1 protein (p.Thr183Ser). The threonine residue is weakly conserved and there is a small physicochemical difference between threonine and serine.

NM_002691.4(POLD1):c.548C>G (p.Thr183Ser)

Gene: POLD1 (DNA polymerase delta 1, catalytic subunit; plus strand). Cytogenetic location: 19q13.33.
Variant type: single nucleotide variant.
Coding change: c.548C>G on transcript NM_002691.4 (MANE Select); coding-DNA position 548, C replaced by G.
Protein change: p.Thr183Ser; replaces threonine 183 with serine.
Molecular consequence: missense variant. On other transcripts: non-coding transcript variant (1).
Genome position (GRCh38, 1-based): chr19:50,402,083, C>G. VCF-style: chr19-50402083-C-G. GRCh37 (hg19) VCF-style: chr19-50905340-C-G.
Other names: c.548C>G, p.Thr183Ser (NM_001256849.1, NM_001308632.1); short protein forms T183S.
Identifiers: ClinVar variation 1517121 (VCV001517121.8), dbSNP rs2122239730, ClinGen allele CA406973292.